The following is an entry in ClinVar:

ClinVar aggregate classification (germline): Uncertain significance (1 of 4 stars; one submission).

Conditions:
Neurodevelopmental disorder with impaired speech and hyperkinetic movements. Identifiers: MedGen C5193088, MONDO:0032741, OMIM 618425.

Submission:

Baylor Genetics
Classification: Uncertain significance for Neurodevelopmental disorder with impaired speech and hyperkinetic movements. Last evaluated: 2019-07-18. Review status: criteria provided, single submitter. Criteria: ACMG Guidelines, 2015. Collection method: clinical testing. Allele origin: unknown. Affected: yes.
Comment: This variant was determined to be of uncertain significance according to ACMG Guidelines, 2015 [PMID:25741868].

NM_001379659.1(ZNF142):c.1321A>G (p.Met441Val)

Gene: ZNF142 (zinc finger protein 142; minus strand). Cytogenetic location: 2q35.
Variant type: single nucleotide variant.
Coding change: c.1321A>G on transcript NM_001379659.1 (MANE Select); coding-DNA position 1321, A replaced by G.
Protein change: p.Met441Val; replaces methionine 441 with valine.
Molecular consequence: missense variant.
Genome position (GRCh38, 1-based): chr2:218,649,187, T>C on the plus strand (A>G on the coding strand, the complement: ZNF142 is on the minus strand). VCF-style: chr2-218649187-T-C. GRCh37 (hg19) VCF-style: chr2-219513910-T-C.
Other names: c.721A>G, p.Met241Val (NM_001105537.5, NM_001379662.1, NM_001366291.3); c.1321A>G, p.Met441Val (NM_001379661.1, NM_001366290.3, NM_001379660.1); c.232A>G, p.Met78Val (NM_001366287.3, NM_001366288.3, NM_001366289.3); short protein forms M78V, M241V, M441V.
Identifiers: ClinVar variation 1030152 (VCV001030152.1), dbSNP rs1937739949, ClinGen allele CA350612771.